The following is an entry in ClinVar:

ClinVar aggregate classification (germline): Uncertain significance. Review status: criteria provided, single submitter (1 of 4 stars). 2 submissions from 2 submitters: Uncertain significance (1). 1 of the submissions does not count toward it. Last evaluated 2022-11-29.

Conditions:
STAT3-related early-onset multisystem autoimmune disease. Also called: Autoimmune disease, multisystem, infantile-onset, 1. Identifiers: Orphanet 438159, MedGen C4014795, MONDO:0014414, OMIM 615952.

Submissions (2):

GeneDx
Classification: Uncertain significance. Last evaluated: 2022-11-29. Review status: criteria provided, single submitter. Criteria: GeneDx Variant Classification Process June 2021. Collection method: clinical testing. Allele origin: germline. Affected: yes.
Comment: Not observed at significant frequency in large population cohorts (gnomAD); In silico analysis supports that this missense variant does not alter protein structure/function; Has not been previously published as pathogenic or benign to our knowledge; This variant is associated with the following publications: (PMID: 18602572)

Undiagnosed Diseases Network, NIH
Classification: Uncertain significance for STAT3-related early-onset multisystem autoimmune disease. Last evaluated: 2024-02-28. Review status: no assertion criteria provided. Collection method: clinical testing. Allele origin: de novo. Affected: yes. Observed: 1 variant allele, 1 heterozygote. Study: Undiagnosed Diseases Network (NIH), UDN. Not counted in ClinVar's aggregate classification.

NM_139276.3(STAT3):c.1339C>G (p.His447Asp)

Gene: STAT3 (signal transducer and activator of transcription 3; minus strand). Cytogenetic location: 17q21.2.
Variant type: single nucleotide variant.
Coding change: c.1339C>G on transcript NM_139276.3 (MANE Select); coding-DNA position 1339, C replaced by G.
Protein change: p.His447Asp; replaces histidine 447 with aspartic acid.
Molecular consequence: missense variant. On other transcripts: intron variant (1).
Genome position (GRCh38, 1-based): chr17:42,326,142, G>C on the plus strand (C>G on the coding strand, the complement: STAT3 is on the minus strand). VCF-style: chr17-42326142-G-C. GRCh37 (hg19) VCF-style: chr17-40478160-G-C.
Other names: p.H447D; c.1339C>G, p.His447Asp (NM_001369512.1, NM_001369513.1, NM_001369514.1 and 11 more transcripts); c.1261C>G, p.His421Asp (NM_001384985.1); c.1354C>G, p.His452Asp (NM_001384986.1, NM_001384990.1); c.1243C>G, p.His415Asp (NM_001384989.1); c.1279C>G, p.His427Asp (NM_001384992.1); c.1282-1081C>G (NM_001384984.1); short protein forms H415D, H421D, H427D, H447D, H452D.
Identifiers: ClinVar variation 2503129 (VCV002503129.3), dbSNP rs2509276149, ClinGen allele CA399587666.